The following is an entry in ClinVar:

ClinVar aggregate classification (germline): Likely benign. Review status: criteria provided, single submitter (1 of 4 stars). 2 submissions from 2 submitters: Likely benign (1). 1 of the submissions does not count toward it. Last evaluated 2025-10-23.

Conditions:
Encephalopathy, acute, infection-induced (herpes-specific), susceptibility to, 1. Also called: Herpes simplex encephalitis, susceptibility to, 1. Identifiers: Orphanet 1930, MedGen C2750180, MONDO:0024563, OMIM 610551.
TLR3-related disorder. Also called: TLR3-related condition.

Allele frequency attached by ClinVar (database versions not stated): gnomAD 0.00001; gnomAD exomes 0.00002 and 0.00001; TOPMed 0.00002.
gnomAD v4.1: 27 of 1,613,984 alleles (0.0017%); highest among the groups gnomAD compares: Non-Finnish European, 0.0023%; no homozygotes.

Submissions (2):

Labcorp Genetics (formerly Invitae), Labcorp
Classification: Likely benign for Encephalopathy, acute, infection-induced (herpes-specific), susceptibility to, 1. Last evaluated: 2025-10-23. Review status: criteria provided, single submitter. Criteria: Invitae Variant Classification Sherloc (09022015). Collection method: clinical testing. Allele origin: germline.

PreventionGenetics, part of Exact Sciences
Classification: Likely benign for TLR3-related condition. Last evaluated: 2019-04-10. Review status: no assertion criteria provided. Collection method: clinical testing. Allele origin: germline. Not counted in ClinVar's aggregate classification.
Comment: This variant is classified as likely benign based on ACMG/AMP sequence variant interpretation guidelines (Richards et al. 2015 PMID: 25741868, with internal and published modifications).

NM_003265.3(TLR3):c.1038T>A (p.Ile346=)

Gene: TLR3 (toll like receptor 3; plus strand). Cytogenetic location: 4q35.1.
Variant type: single nucleotide variant.
Coding change: c.1038T>A on transcript NM_003265.3 (MANE Select); coding-DNA position 1038, T replaced by A.
Protein change: p.Ile346=; no amino-acid change (isoleucine 346 retained).
Molecular consequence: synonymous variant.
Genome position (GRCh38, 1-based): chr4:186,082,724, T>A. VCF-style: chr4-186082724-T-A. GRCh37 (hg19) VCF-style: chr4-187003878-T-A.
Identifiers: ClinVar variation 943473 (VCV000943473.11), dbSNP rs757686834, ClinGen allele CA3161348.